The following is an entry in ClinVar:

ClinVar aggregate classification (germline): Uncertain significance. Review status: criteria provided, multiple submitters, no conflicts (2 of 4 stars). 4 submissions from 4 submitters: Uncertain significance (4). Last evaluated 2025-08-20.

Conditions:
Hennekam lymphangiectasia-lymphedema syndrome 2 (HKLLS2). Identifiers: Orphanet 2136, MedGen C4014939, MONDO:0014454, OMIM 616006.

Allele frequency attached by ClinVar (database versions not stated): gnomAD 0.00001; gnomAD exomes 0.00001; TOPMed 0.00002.
gnomAD v4.1: 25 of 1,613,612 alleles (0.0015%); highest among the groups gnomAD compares: Middle Eastern, 0.2%; no homozygotes.

Submissions (4):

Labcorp Genetics (formerly Invitae), Labcorp
Classification: Uncertain significance. Last evaluated: 2025-08-20. Review status: criteria provided, single submitter. Criteria: Invitae Variant Classification Sherloc (09022015). Collection method: clinical testing. Allele origin: germline.
Comment: This sequence change replaces serine, which is neutral and polar, with tyrosine, which is neutral and polar, at codon 3049 of the FAT4 protein (p.Ser3049Tyr). This variant is present in population databases (no rsID available, gnomAD 0.007%). This variant has not been reported in the literature in individuals affected with FAT4-related conditions. ClinVar contains an entry for this variant (Variation ID: 1028323). Invitae Evidence Modeling of protein sequence and biophysical properties (such as structural, functional, and spatial information, amino acid conservation, physicochemical variation, residue mobility, and thermodynamic stability) indicates that this missense variant is not expected to disrupt FAT4 protein function with a negative predictive value of 80%. In summary, the available evidence is currently insufficient to determine the role of this variant in disease. Therefore, it has been classified as a Variant of Uncertain Significance.

GeneDx
Classification: Uncertain significance. Last evaluated: 2025-05-23. Review status: criteria provided, single submitter. Criteria: GeneDx Variant Classification Process June 2021. Collection method: clinical testing. Allele origin: germline. Affected: yes.
Comment: In silico analysis supports that this missense variant has a deleterious effect on protein structure/function; Has not been previously published as pathogenic or benign to our knowledge

Blueprint Genetics
Classification: Uncertain significance. Last evaluated: 2024-06-12. Review status: criteria provided, single submitter. Criteria: ACMG Guidelines, 2015. Collection method: clinical testing. Allele origin: germline.

Baylor Genetics
Classification: Uncertain significance for Hennekam lymphangiectasia-lymphedema syndrome 2. Last evaluated: 2019-09-27. Review status: criteria provided, single submitter. Criteria: ACMG Guidelines, 2015. Collection method: clinical testing. Allele origin: unknown. Affected: yes.
Comment: This variant was determined to be of uncertain significance according to ACMG Guidelines, 2015 [PMID:25741868].

NM_001291303.3(FAT4):c.9152C>A (p.Ser3051Tyr)

Gene: FAT4 (FAT atypical cadherin 4; plus strand). Cytogenetic location: 4q28.1.
Variant type: single nucleotide variant.
Coding change: c.9152C>A on transcript NM_001291303.3 (MANE Select); coding-DNA position 9152, C replaced by A.
Protein change: p.Ser3051Tyr; replaces serine 3051 with tyrosine.
Molecular consequence: missense variant.
Genome position (GRCh38, 1-based): chr4:125,450,162, C>A. VCF-style: chr4-125450162-C-A. GRCh37 (hg19) VCF-style: chr4-126371317-C-A.
Other names: c.9152C>A, p.Ser3051Tyr (NM_001291285.3); c.9146C>A, p.Ser3049Tyr (NM_024582.6); short protein forms S3049Y, S3051Y.
Identifiers: ClinVar variation 1028323 (VCV001028323.6), dbSNP rs866162018, ClinGen allele CA104881656.
Genomic context (GRCh38, chr4:125,450,162, plus strand): 5'-TAGGAAAATTTAAGTTGGACAATGATACGGGGTGGATTTCAGTAGCATCCTCCCTGATTT[C>A]TGACTTGAACCAAAACTTTTTTATCACAGTCACTGCAAAGGATAAGGGAAACCCTCCACT-3'
Protein context (NP_001278232.1, residues 3041-3061): GWISVASSLI[Ser3051Tyr]DLNQNFFITV